The following is an entry in ClinVar:

ClinVar aggregate classification (germline): Uncertain significance (1 of 4 stars; one submission).

Allele frequency attached by ClinVar (database versions not stated): gnomAD exomes below 0.00001 and 0.00001; TOPMed 0.00001.
gnomAD v4.1: 3 of 1,554,936 alleles (0.00019%); highest among the groups gnomAD compares: Non-Finnish European, 0.00018%; no homozygotes.

Submission:

Labcorp Genetics (formerly Invitae), Labcorp
Classification: Uncertain significance. Last evaluated: 2021-06-11. Review status: criteria provided, single submitter. Criteria: Invitae Variant Classification Sherloc (09022015). Collection method: clinical testing. Allele origin: germline.
Comment: This variant has not been reported in the literature in individuals with KIDINS220-related conditions. Algorithms developed to predict the effect of sequence changes on RNA splicing suggest that this variant may create or strengthen a splice site, but this prediction has not been confirmed by published transcriptional studies. This variant is not present in population databases (ExAC no frequency). In summary, the available evidence is currently insufficient to determine the role of this variant in disease. Therefore, it has been classified as a Variant of Uncertain Significance. This sequence change falls in intron 21 of the KIDINS220 gene. It does not directly change the encoded amino acid sequence of the KIDINS220 protein.

NM_020738.4(KIDINS220):c.2849-11T>G

Gene: KIDINS220 (kinase D interacting substrate 220; minus strand). Cytogenetic location: 2p25.1.
Variant type: single nucleotide variant.
Coding change: c.2849-11T>G on transcript NM_020738.4 (MANE Select); 11 bases into the intron before coding-DNA position 2849, T replaced by G.
Molecular consequence: intron variant.
Genome position (GRCh38, 1-based): chr2:8,770,843, A>C on the plus strand (T>G on the coding strand, the complement: KIDINS220 is on the minus strand). VCF-style: chr2-8770843-A-C. GRCh37 (hg19) VCF-style: chr2-8910973-A-C.
Other names: c.2849-11T>G (NM_001348741.2, NM_001348738.2, NM_001348742.2 and 3 more transcripts); c.2852-11T>G (NM_001348739.2, NM_001348740.2, NM_001348734.2 and 3 more transcripts); c.2723-11T>G (NM_001348736.2).
Identifiers: ClinVar variation 1432610 (VCV001432610.8), dbSNP rs1218520142, ClinGen allele CA530848337.